The following is an entry in ClinVar:

ClinVar aggregate classification (germline): Likely benign. Review status: criteria provided, multiple submitters, no conflicts (2 of 4 stars). 5 submissions from 5 submitters: Likely benign (5). Last evaluated 2026-04-01.

Allele frequency attached by ClinVar (database versions not stated): gnomAD exomes 0.00038 and 0.00058; ESP Exome Variant Server 0.00054; ExAC 0.00055; gnomAD 0.00070 and 0.00079; TOPMed 0.00104; 1000 Genomes Project 0.00140; 1000 Genomes Project 30x 0.00141.
gnomAD v4.1: 695 of 1,614,044 alleles (0.043%); highest among the groups gnomAD compares: Admixed American, 0.23%; 2 homozygotes.

Submissions (5):

CeGaT Center for Human Genetics Tuebingen
Classification: Likely benign. Last evaluated: 2026-04-01. Review status: criteria provided, single submitter. Criteria: CeGaT Center For Human Genetics Tuebingen Variant Classification Criteria Version 2. Collection method: clinical testing. Allele origin: germline. Affected: yes. Observed: 1 variant allele.
Comment: NLRP1: BP4

Labcorp Genetics (formerly Invitae), Labcorp
Classification: Likely benign. Last evaluated: 2026-02-01. Review status: criteria provided, single submitter. Criteria: Invitae Variant Classification Sherloc (09022015). Collection method: clinical testing. Allele origin: germline.

Mayo Clinic Laboratories, Mayo Clinic
Classification: Likely benign. Last evaluated: 2024-12-24. Review status: criteria provided, single submitter. Criteria: ACMG Guidelines, 2015. Collection method: clinical testing. Allele origin: germline. Observed: 1 variant allele.
Comment: BS2_supporting, BP4_moderate

Blueprint Genetics
Classification: Likely benign. Last evaluated: 2024-11-06. Review status: criteria provided, single submitter. Criteria: ACMG Guidelines, 2015. Collection method: clinical testing. Allele origin: germline.

Breakthrough Genomics
Classification: Likely benign. Review status: criteria provided, single submitter. Criteria: ACMG Guidelines, 2015. Collection method: not provided. Allele origin: germline. Inheritance: Autosomal recessive inheritance. Affected: yes.

NM_033004.4(NLRP1):c.736A>G (p.Thr246Ala)

Gene: NLRP1 (NLR family pyrin domain containing 1; minus strand). Cytogenetic location: 17p13.2.
Variant type: single nucleotide variant.
Coding change: c.736A>G on transcript NM_033004.4 (MANE Select); coding-DNA position 736, A replaced by G.
Protein change: p.Thr246Ala; replaces threonine 246 with alanine.
Molecular consequence: missense variant.
Genome position (GRCh38, 1-based): chr17:5,559,960, T>C on the plus strand (A>G on the coding strand, the complement: NLRP1 is on the minus strand). VCF-style: chr17-5559960-T-C. GRCh37 (hg19) VCF-style: chr17-5463280-T-C.
Other names: p.Thr246Ala; c.736A>G, p.Thr246Ala (NM_033007.4, NM_001033053.3, NM_014922.5 and 1 more transcripts); short protein forms T246A.
Identifiers: ClinVar variation 1147882 (VCV001147882.14), dbSNP rs61754792, ClinGen allele CA8327495.